The following is an entry in ClinVar:

NM_021120.4(DLG3):c.724G>A (p.Gly242Arg)

Gene: DLG3 (discs large MAGUK scaffold protein 3; plus strand). Cytogenetic location: Xq13.1.
Variant type: single nucleotide variant.
Coding change: c.724G>A on transcript NM_021120.4 (MANE Select); coding-DNA position 724, G replaced by A.
Protein change: p.Gly242Arg; replaces glycine 242 with arginine.
Molecular consequence: missense variant.
Genome position (GRCh38, 1-based): chrX:70,450,189, G>A. VCF-style: chrX-70450189-G-A. GRCh37 (hg19) VCF-style: chrX-69670039-G-A.
Other names: short protein forms G242R.
Identifiers: ClinVar variation 4086400 (VCV004086400.1).

ClinVar aggregate classification (germline): Uncertain significance (1 of 4 stars; one submission).

Submission:

GeneDx
Classification: Uncertain significance. Last evaluated: 2025-03-20. Review status: criteria provided, single submitter. Criteria: GeneDx Variant Classification Process June 2021. Collection method: clinical testing. Allele origin: germline. Affected: yes.
Comment: Not observed at significant frequency in large population cohorts (gnomAD); In silico analysis supports that this missense variant has a deleterious effect on protein structure/function; Has not been previously published as pathogenic or benign to our knowledge